The following is an entry in ClinVar:

ClinVar aggregate classification (germline): Conflicting classifications of pathogenicity. Review status: criteria provided, conflicting classifications (1 of 4 stars). 6 submissions from 6 submitters: Uncertain significance (4); Likely benign (2). Last evaluated 2025-12-10.

Conditions:
Breast-ovarian cancer, familial, susceptibility to, 5 (BROVCA5). Identifiers: MedGen C5830615, MONDO:0957530, OMIM 620442.
Hereditary cancer-predisposing syndrome. Also called: Tumor predisposition; Hereditary Cancer Syndrome; Hereditary neoplastic syndrome; Neoplastic Syndromes, Hereditary. Identifiers: Orphanet 140162, MedGen C0027672, MeSH D009386, MONDO:0015356.
Familial cancer of breast. Also called: BREAST CANCER, FAMILIAL; Hereditary breast cancer; hereditary breast carcinoma. Identifiers: Orphanet 227535, MedGen C0346153, MONDO:0016419, OMIM 114480. Disease mechanism: loss of function.

Allele frequency attached by ClinVar (database versions not stated): gnomAD exomes below 0.00001; ExAC 0.00001; gnomAD 0.00001; TOPMed 0.00001.
gnomAD v4.1: 6 of 1,614,050 alleles (0.00037%); highest among the groups gnomAD compares: South Asian, 0.0011%; no homozygotes.

Submissions (6):

Labcorp Genetics (formerly Invitae), Labcorp
Classification: Uncertain significance for Familial cancer of breast. Last evaluated: 2025-12-10. Review status: criteria provided, single submitter. Criteria: Invitae Variant Classification Sherloc (09022015). Collection method: clinical testing. Allele origin: germline.
Comment: This sequence change replaces glycine, which is neutral and non-polar, with aspartic acid, which is acidic and polar, at codon 467 of the PALB2 protein (p.Gly467Asp). This variant is not present in population databases (gnomAD no frequency). This variant has not been reported in the literature in individuals affected with PALB2-related conditions. ClinVar contains an entry for this variant (Variation ID: 182788). Invitae Evidence Modeling of protein sequence and biophysical properties (such as structural, functional, and spatial information, amino acid conservation, physicochemical variation, residue mobility, and thermodynamic stability) indicates that this missense variant is not expected to disrupt PALB2 protein function with a negative predictive value of 80%. In summary, the available evidence is currently insufficient to determine the role of this variant in disease. Therefore, it has been classified as a Variant of Uncertain Significance.

KCCC/NGS Laboratory, Kuwait Cancer Control Center
Classification: Uncertain significance for Breast-ovarian cancer, familial, susceptibility to, 5. Last evaluated: 2025-12-01. Review status: criteria provided, single submitter. Criteria: ACMG Guidelines, 2015. Collection method: clinical testing. Allele origin: germline. Inheritance: Autosomal dominant inheritance. Affected: yes.
Comment: it has been classified as a Variant of Uncertain Significance.The diagnosis of hereditary cancer syndrome is not confirmed.

GeneDx
Classification: Uncertain significance. Last evaluated: 2024-10-07. Review status: criteria provided, single submitter. Criteria: GeneDx Variant Classification Process June 2021. Collection method: clinical testing. Allele origin: germline. Affected: yes.
Comment: Not observed at significant frequency in large population cohorts (gnomAD); In silico analysis indicates that this missense variant does not alter protein structure/function; Has not been previously published as pathogenic or benign to our knowledge

Myriad Genetics, Inc.
Classification: Likely benign for Familial cancer of breast. Last evaluated: 2024-06-10. Review status: criteria provided, single submitter. Criteria: Myriad Autosomal Dominant, Autosomal Recessive and X-Linked Classification Criteria (2023). Collection method: clinical testing. Allele origin: unknown.
Comment: This variant is considered likely benign. This variant is strongly associated with less severe personal and family histories of cancer, typical for individuals without pathogenic variants in this gene [PMID: 25085752].

Color Diagnostics, LLC DBA Color Health
Classification: Uncertain significance for Hereditary cancer-predisposing syndrome. Last evaluated: 2023-06-05. Review status: criteria provided, single submitter. Criteria: ACMG Guidelines, 2015. Collection method: clinical testing. Allele origin: germline.
Comment: This missense variant replaces glycine with aspartic acid at codon 467 of the PALB2 protein. Computational prediction suggests that this variant may not impact protein structure and function (internally defined REVEL score threshold <= 0.5, PMID: 27666373). To our knowledge, functional studies have not been reported for this variant. This variant has been detected in a breast cancer case-control meta-analysis in 0/60466 cases and 1/53461 unaffected individuals (PMID: 33471991; Leiden Open Variation Database DB-ID PALB2_011036). This variant has been identified in 1/251044 chromosomes in the general population by the Genome Aggregation Database (gnomAD). The available evidence is insufficient to determine the role of this variant in disease conclusively. Therefore, this variant is classified as a Variant of Uncertain Significance.

Ambry Genetics
Classification: Likely benign for Hereditary cancer-predisposing syndrome. Last evaluated: 2018-07-31. Review status: criteria provided, single submitter. Criteria: Ambry Variant Classification Scheme 2023. Collection method: clinical testing. Allele origin: germline.

Literature cited by the submitters: PubMed 25085752 (cited by Myriad Genetics, Inc.); PubMed 33471991 (cited by Color Diagnostics, LLC DBA Color Health).

NM_024675.4(PALB2):c.1400G>A (p.Gly467Asp)

Gene: PALB2 (partner and localizer of BRCA2; minus strand). Cytogenetic location: 16p12.2.
Variant type: single nucleotide variant.
Coding change: c.1400G>A on transcript NM_024675.4 (MANE Select); coding-DNA position 1400, G replaced by A.
Protein change: p.Gly467Asp; replaces glycine 467 with aspartic acid.
Molecular consequence: missense variant.
Genome position (GRCh38, 1-based): chr16:23,635,146, C>T on the plus strand (G>A on the coding strand, the complement: PALB2 is on the minus strand). VCF-style: chr16-23635146-C-T. GRCh37 (hg19) VCF-style: chr16-23646467-C-T.
Other names: p.G467D:GGC>GAC; short protein forms G467D.
Identifiers: ClinVar variation 182788 (VCV000182788.24), dbSNP rs730881906, ClinGen allele CA299790.
Genomic context (GRCh38, chr16:23,635,146, plus strand): 5'-ACTTTAGTTAATGAGAGAAGTTTCTGAGAGGTTCTTGAACTTGGTTGTCCTGTGCATGTG[C>T]CAGACATCCTAATTTCACTTTGGTCAGTTTCCTCATTGGAAAGGTTTAAATTTTTACTTG-3'
Protein context (NP_078951.2, residues 457-477): ETDQSEIRMS[Gly467Asp]TCTGQPSSRT